The following is an entry in ClinVar:

NM_000256.3(MYBPC3):c.3703G>T (p.Val1235Leu)

Gene: MYBPC3 (myosin binding protein C3; minus strand). Cytogenetic location: 11p11.2.
Variant type: single nucleotide variant.
Coding change: c.3703G>T on transcript NM_000256.3 (MANE Select); coding-DNA position 3703, G replaced by T.
Protein change: p.Val1235Leu; replaces valine 1235 with leucine.
Molecular consequence: missense variant.
Genome position (GRCh38, 1-based): chr11:47,332,183, C>A on the plus strand (G>T on the coding strand, the complement: MYBPC3 is on the minus strand). VCF-style: chr11-47332183-C-A. GRCh37 (hg19) VCF-style: chr11-47353734-C-A.
Other names: c.3703G>T, p.Val1235Leu (LRG_386t1); short protein forms V1235L.
Identifiers: ClinVar variation 518915 (VCV000518915.16), dbSNP rs1555120162, ClinGen allele CA380311276.
Genomic context (GRCh38, chr11:47,332,183, plus strand): 5'-CCCTGCAGACATAGATGCCCCCGTCAAAGGGGCAGGGCTTTCTAATCTCCAGAGTCAACA[C>A]TCCCTGCTTGCTGAACATGCGGAAGCGGGCGTCTTCTCCCAGGTCCAGGCCATTCTTGAA-3'
Protein context (NP_000247.2, residues 1225-1245): ARFRMFSKQG[Val1235Leu]LTLEIRKPCP

ClinVar aggregate classification (germline): Uncertain significance. Review status: criteria provided, multiple submitters, no conflicts (2 of 4 stars). 4 submissions from 4 submitters: Uncertain significance (4). Last evaluated 2025-09-24.

Conditions:
Cardiovascular phenotype. Identifiers: MedGen CN230736.
Cardiomyopathy (CMYO). Also called: Cardiomyopathies. Identifiers: Orphanet 167848, MedGen C0878544, MONDO:0004994, HP:0001638. Inheritance: Various modes of inheritance.
Hypertrophic cardiomyopathy. Also called: HYPERTROPHIC MYOCARDIOPATHY. Identifiers: Orphanet 217569, MedGen C0007194, MeSH D002312, MONDO:0005045, HP:0001639.

Submissions (4):

Labcorp Genetics (formerly Invitae), Labcorp
Classification: Uncertain significance for Hypertrophic cardiomyopathy. Last evaluated: 2025-09-24. Review status: criteria provided, single submitter. Criteria: Invitae Variant Classification Sherloc (09022015). Collection method: clinical testing. Allele origin: germline.
Comment: This sequence change replaces valine, which is neutral and non-polar, with leucine, which is neutral and non-polar, at codon 1235 of the MYBPC3 protein (p.Val1235Leu). This variant is not present in population databases (gnomAD no frequency). This variant has not been reported in the literature in individuals affected with MYBPC3-related conditions. ClinVar contains an entry for this variant (Variation ID: 518915). An algorithm developed to predict the effect of missense changes on protein structure and function (PolyPhen-2) suggests that this variant is likely to be tolerated. In summary, the available evidence is currently insufficient to determine the role of this variant in disease. Therefore, it has been classified as a Variant of Uncertain Significance.

Color Diagnostics, LLC DBA Color Health
Classification: Uncertain significance for Cardiomyopathy. Last evaluated: 2025-01-06. Review status: criteria provided, single submitter. Criteria: ACMG Guidelines, 2015. Collection method: clinical testing. Allele origin: germline.
Comment: This missense variant replaces valine with leucine at codon 1235 of the MYBPC3 protein. Computational prediction suggests that this variant may not impact protein structure and function (internally defined REVEL score threshold <= 0.5, PMID: 27666373). To our knowledge, functional studies have not been reported for this variant. This variant has not been reported in individuals affected with MYBPC3-related disorders in the literature. This variant has not been identified in the general population by the Genome Aggregation Database (gnomAD). The available evidence is insufficient to determine the role of this variant in disease conclusively. Therefore, this variant is classified as a Variant of Uncertain Significance.

All of Us Research Program, National Institutes of Health
Classification: Uncertain significance for Hypertrophic cardiomyopathy. Last evaluated: 2024-01-11. Review status: criteria provided, single submitter. Criteria: ACMG Guidelines, 2015. Collection method: clinical testing. Allele origin: germline. Inheritance: Autosomal dominant inheritance. Observed: 1 variant allele, 1 heterozygote.
Comment: This study involves interpretation of variants in research participants for the purpose of population health screening. Participant phenotype was not available at the time of variant classification. Additional details can be found in publication PMID: 35346344, PMCID: PMC8962531

Ambry Genetics
Classification: Uncertain significance for Cardiovascular phenotype. Last evaluated: 2016-05-20. Review status: criteria provided, single submitter. Criteria: Ambry Variant Classification Scheme 2023. Collection method: clinical testing. Allele origin: germline.
Comment: The p.V1235L variant (also known as c.3703G>T), located in coding exon 33 of the MYBPC3 gene, results from a G to T substitution at nucleotide position 3703. The valine at codon 1235 is replaced by leucine, an amino acid with highly similar properties. This variant was not reported in population based cohorts in the following databases: Database of Single Nucleotide Polymorphisms (dbSNP), NHLBI Exome Sequencing Project (ESP), and 1000 Genomes Project. In the ESP, this variant was not observed in 6116 samples (12232 alleles) with coverage at this position. This amino acid position is highly conserved in available vertebrate species. In addition, this alteration is predicted to be tolerated by in silico analysis. Since supporting evidence is limited at this time, the clinical significance of this alteration remains unclear.